The following is an entry in ClinVar:

ClinVar aggregate classification (germline): Likely benign (0 of 4 stars; one submission).

Conditions:
SPTB-related disorder. Also called: SPTB-related condition; SPTB-Related Disorders.

Submission:

PreventionGenetics, part of Exact Sciences
Classification: Likely benign for SPTB-related condition. Last evaluated: 2024-09-05. Review status: no assertion criteria provided. Collection method: clinical testing. Allele origin: germline.
Comment: This variant is classified as likely benign based on ACMG/AMP sequence variant interpretation guidelines (Richards et al. 2015 PMID: 25741868, with internal and published modifications).

NM_001355436.2(SPTB):c.3856-7C>G

Gene: SPTB (spectrin beta, erythrocytic; minus strand). Cytogenetic location: 14q23.3.
Variant type: single nucleotide variant.
Coding change: c.3856-7C>G on transcript NM_001355436.2 (MANE Select); 7 bases into the intron before coding-DNA position 3856, C replaced by G.
Molecular consequence: intron variant.
Genome position (GRCh38, 1-based): chr14:64,784,400, G>C on the plus strand (C>G on the coding strand, the complement: SPTB is on the minus strand). VCF-style: chr14-64784400-G-C. GRCh37 (hg19) VCF-style: chr14-65251118-G-C.
Other names: c.3856-7C>G (NM_001024858.4, NM_001355437.2).
Identifiers: ClinVar variation 3347442 (VCV003347442.1).